The following is an entry in ClinVar:

NM_018297.4(NGLY1):c.619T>C (p.Ser207Pro)

Gene: NGLY1 (N-glycanase 1; minus strand). Cytogenetic location: 3p24.2.
Variant type: single nucleotide variant.
Coding change: c.619T>C on transcript NM_018297.4 (MANE Select); coding-DNA position 619, T replaced by C.
Protein change: p.Ser207Pro; replaces serine 207 with proline.
Molecular consequence: missense variant.
Genome position (GRCh38, 1-based): chr3:25,751,137, A>G on the plus strand (T>C on the coding strand, the complement: NGLY1 is on the minus strand). VCF-style: chr3-25751137-A-G. GRCh37 (hg19) VCF-style: chr3-25792628-A-G.
Other names: c.619T>C, p.Ser207Pro (NM_001145293.2, NM_001145295.2); c.493T>C, p.Ser165Pro (NM_001145294.2); short protein forms S207P, S165P.
Identifiers: ClinVar variation 2096361 (VCV002096361.4), dbSNP rs2470600142, ClinGen allele CA351905869.
Genomic context (GRCh38, chr3:25,751,137, plus strand): 5'-ATGATTATGTAAAGCTACTACCTTTATCCAATTTTCTAGCTCTCGATAACTTTTCTTGTG[A>G]TTTCCTTTTTAGTTCTTGGACCGGAATACAAGCCAACGCTTTCTCCTGAAGAGCAGGATT-3'
Protein context (NP_060767.2, residues 197-217): CIPVQELKRK[Ser207Pro]QEKLSRARKL

ClinVar aggregate classification (germline): Uncertain significance (1 of 4 stars; one submission).

Conditions:
Congenital disorder of deglycosylation (CDDG). Identifiers: MedGen C3808991, MONDO:0031376.

Submission:

Labcorp Genetics (formerly Invitae), Labcorp
Classification: Uncertain significance for Congenital disorder of deglycosylation. Last evaluated: 2022-02-11. Review status: criteria provided, single submitter. Criteria: Invitae Variant Classification Sherloc (09022015). Collection method: clinical testing. Allele origin: germline.
Comment: This variant has not been reported in the literature in individuals affected with NGLY1-related conditions. In summary, the available evidence is currently insufficient to determine the role of this variant in disease. Therefore, it has been classified as a Variant of Uncertain Significance. Algorithms developed to predict the effect of missense changes on protein structure and function (SIFT, PolyPhen-2, Align-GVGD) all suggest that this variant is likely to be tolerated. This variant is not present in population databases (gnomAD no frequency). This sequence change replaces serine, which is neutral and polar, with proline, which is neutral and non-polar, at codon 207 of the NGLY1 protein (p.Ser207Pro).